The following is an entry in ClinVar:

ClinVar aggregate classification (germline): Conflicting classifications of pathogenicity. Review status: criteria provided, conflicting classifications (1 of 4 stars). 6 submissions from 6 submitters: Uncertain significance (5); Likely benign (1). Last evaluated 2025-11-25.

Conditions:
Cardiovascular phenotype. Identifiers: MedGen CN230736.
Alstrom syndrome (ALMS). Identifiers: Orphanet 64, MedGen C0268425, MONDO:0008763, OMIM 203800.

Allele frequency attached by ClinVar (database versions not stated): gnomAD exomes 0.00009 and 0.00015; ExAC 0.00010; gnomAD 0.00017 and 0.00019; TOPMed 0.00018; 1000 Genomes Project 0.00040; 1000 Genomes Project 30x 0.00047.
gnomAD v4.1: 154 of 1,613,186 alleles (0.0095%); highest among the groups gnomAD compares: Admixed American, 0.098%; no homozygotes.

Submissions (6):

GeneDx
Classification: Uncertain significance. Last evaluated: 2025-11-25. Review status: criteria provided, single submitter. Criteria: GeneDx Variant Classification Process June 2021. Collection method: clinical testing. Allele origin: germline. Affected: yes.
Comment: Reported in a patient with blindness in published literature; additional clinical information was not provided (PMID: 32483926); In silico analysis suggests that this missense variant does not alter protein structure/function; This variant is associated with the following publications: (PMID: 28912962, 32483926)

Women's Health and Genetics/Laboratory Corporation of America, LabCorp
Classification: Uncertain significance. Last evaluated: 2025-04-11. Review status: criteria provided, single submitter. Criteria: LabCorp Variant Classification Summary - May 2015. Collection method: clinical testing. Allele origin: germline.
Comment: Variant summary: ALMS1 c.5294A>G (p.Asn1765Ser) results in a conservative amino acid change in the encoded protein sequence. Four of four in-silico tools predict a benign effect of the variant on protein function. The variant allele was found at a frequency of 0.00015 in 248992 control chromosomes. This frequency is not significantly higher than estimated for a pathogenic variant in ALMS1 causing Alstrom Syndrome (0.00015 vs 0.0014), allowing no conclusion about variant significance. c.5294A>G has been observed in individual(s) affected with Retinal disease (example: Dineriro_2020, Costa_2017). These report(s) do not provide unequivocal conclusions about association of the variant with Alstrom Syndrome. To our knowledge, no experimental evidence demonstrating an impact on protein function has been reported. The following publications have been ascertained in the context of this evaluation (PMID: 28912962, 32483926). ClinVar contains an entry for this variant (Variation ID: 808771). Based on the evidence outlined above, the variant was classified as uncertain significance.

Ambry Genetics
Classification: Likely benign for Cardiovascular phenotype. Last evaluated: 2023-04-20. Review status: criteria provided, single submitter. Criteria: Ambry Variant Classification Scheme 2023. Collection method: clinical testing. Allele origin: germline.

Labcorp Genetics (formerly Invitae), Labcorp
Classification: Uncertain significance for Alstrom syndrome. Last evaluated: 2022-08-22. Review status: criteria provided, single submitter. Criteria: Invitae Variant Classification Sherloc (09022015). Collection method: clinical testing. Allele origin: germline.
Comment: This sequence change replaces asparagine, which is neutral and polar, with serine, which is neutral and polar, at codon 1767 of the ALMS1 protein (p.Asn1767Ser). This variant is present in population databases (rs192863498, gnomAD 0.08%). This variant has not been reported in the literature in individuals affected with ALMS1-related conditions. ClinVar contains an entry for this variant (Variation ID: 808771). In summary, the available evidence is currently insufficient to determine the role of this variant in disease. Therefore, it has been classified as a Variant of Uncertain Significance.

Fulgent Genetics
Classification: Uncertain significance for Alstrom syndrome. Last evaluated: 2022-03-24. Review status: criteria provided, single submitter. Criteria: ACMG Guidelines, 2015. Collection method: clinical testing. Allele origin: unknown.

CeGaT Center for Human Genetics Tuebingen
Classification: Uncertain significance. Last evaluated: 2016-06-01. Review status: criteria provided, single submitter. Criteria: CeGaT Center For Human Genetics Tuebingen Variant Classification Criteria Version 2. Collection method: clinical testing. Allele origin: germline. Affected: yes. Observed: 1 variant allele.

Literature cited by the submitters: PubMed 28912962 (cited by Women's Health and Genetics/Laboratory Corporation of America, LabCorp and Ambry Genetics); PubMed 32483926 (cited by Women's Health and Genetics/Laboratory Corporation of America, LabCorp and Ambry Genetics).

NM_001378454.1(ALMS1):c.5297A>G (p.Asn1766Ser)

Gene: ALMS1 (ALMS1 centrosome and basal body associated protein; plus strand). Cytogenetic location: 2p13.1.
Variant type: single nucleotide variant.
Coding change: c.5297A>G on transcript NM_001378454.1 (MANE Select); coding-DNA position 5297, A replaced by G.
Protein change: p.Asn1766Ser; replaces asparagine 1766 with serine.
Molecular consequence: missense variant.
Genome position (GRCh38, 1-based): chr2:73,451,824, A>G. VCF-style: chr2-73451824-A-G. GRCh37 (hg19) VCF-style: chr2-73678951-A-G.
Other names: c.5300A>G, p.Asn1767Ser (NM_015120.4); short protein forms N1767S, N1766S.
Identifiers: ClinVar variation 808771 (VCV000808771.51), dbSNP rs192863498, ClinGen allele CA1713859.